The following is an entry in ClinVar:

ClinVar aggregate classification (germline): Uncertain significance (1 of 4 stars; one submission).

Conditions:
Landau-Kleffner syndrome (FESD). Also called: EPILEPSY, FOCAL, WITH SPEECH DISORDER AND WITH OR WITHOUT MENTAL RETARDATION; APHASIA, ACQUIRED, WITH EPILEPSY. Identifiers: Orphanet 1945, Orphanet 725, Orphanet 98818, MedGen C0282512, MONDO:0009509, OMIM 245570.

Allele frequency attached by ClinVar (database versions not stated): gnomAD exomes below 0.00001; TOPMed below 0.00001.
gnomAD v4.1: 1 of 1,611,966 alleles (0.000062%); highest among the groups gnomAD compares: African/African-American, 0.0013%; no homozygotes.

Submission:

Labcorp Genetics (formerly Invitae), Labcorp
Classification: Uncertain significance for Landau-Kleffner syndrome. Last evaluated: 2025-11-23. Review status: criteria provided, single submitter. Criteria: Invitae Variant Classification Sherloc (09022015). Collection method: clinical testing. Allele origin: germline.
Comment: This sequence change falls in intron 6 of the GRIN2A gene. It does not directly change the encoded amino acid sequence of the GRIN2A protein. It affects a nucleotide within the consensus splice site. This variant is not present in population databases (gnomAD no frequency). This variant has not been reported in the literature in individuals affected with GRIN2A-related conditions. ClinVar contains an entry for this variant (Variation ID: 3004204). Variants that disrupt the consensus splice site are a relatively common cause of aberrant splicing (PMID: 17576681, 9536098). Algorithms developed to predict the effect of sequence changes on RNA splicing suggest that this variant is not likely to affect RNA splicing. In summary, the available evidence is currently insufficient to determine the role of this variant in disease. Therefore, it has been classified as a Variant of Uncertain Significance.

Literature cited by the submitters: PubMed 17576681; PubMed 9536098.

NM_001134407.3(GRIN2A):c.1328+3G>A

Gene: GRIN2A (glutamate ionotropic receptor NMDA type subunit 2A; minus strand). Cytogenetic location: 16p13.2.
Variant type: single nucleotide variant.
Coding change: c.1328+3G>A on transcript NM_001134407.3 (MANE Select); 3 bases into the intron after coding-DNA position 1328, G replaced by A.
Molecular consequence: intron variant.
Genome position (GRCh38, 1-based): chr16:9,849,753, C>T on the plus strand (G>A on the coding strand, the complement: GRIN2A is on the minus strand). VCF-style: chr16-9849753-C-T. GRCh37 (hg19) VCF-style: chr16-9943610-C-T.
Other names: c.1328+3G>A (NM_001134408.2, NM_000833.5).
Identifiers: ClinVar variation 3004204 (VCV003004204.3), dbSNP rs2042847551, ClinGen allele CA2206737571.
Genomic context (GRCh38, chr16:9,849,753, plus strand): 5'-TCGATGATCCATGCTATTTCAAAGGGTTGGGCACGTTCAGGTGACAGCATTCCTGCCACT[C>T]ACTTGATTTTGACGAACTTCCGACATGGCACGGTGTTCCTCACACACGTCTCGGTCAGGG-3'